The following is an entry in ClinVar:

NM_003331.5(TYK2):c.2077G>C (p.Gly693Arg)

Gene: TYK2 (tyrosine kinase 2; minus strand). Cytogenetic location: 19p13.2.
Variant type: single nucleotide variant.
Coding change: c.2077G>C on transcript NM_003331.5 (MANE Select); coding-DNA position 2077, G replaced by C.
Protein change: p.Gly693Arg; replaces glycine 693 with arginine.
Molecular consequence: missense variant.
Genome position (GRCh38, 1-based): chr19:10,359,273, C>G on the plus strand (G>C on the coding strand, the complement: TYK2 is on the minus strand). VCF-style: chr19-10359273-C-G. GRCh37 (hg19) VCF-style: chr19-10469949-C-G.
Other names: c.1891G>C, p.Gly631Arg (NM_001385199.1); c.2077G>C, p.Gly693Arg (NM_001385197.1, NM_001385200.1, NM_001385198.1 and 3 more transcripts); c.1879G>C, p.Gly627Arg (NM_001385201.1); c.1993G>C, p.Gly665Arg (NM_001385202.1); c.1987G>C, p.Gly663Arg (NM_001385205.1); c.1951G>C, p.Gly651Arg (NM_001385206.1); c.2059G>C, p.Gly687Arg (NM_001385207.1); short protein forms G627R, G631R, G651R, G663R, G665R, G687R, G693R.
Identifiers: ClinVar variation 1720128 (VCV001720128.5), dbSNP rs754899482, ClinGen allele CA403999881.
Genomic context (GRCh38, chr19:10,359,273, plus strand): 5'-CCATCTTCCAAGCCATGGGCACATGGCCCCGCTCCCTCCGCAGCCACACATCCAGGGGTC[C>G]GTGCTCCACGTACTCTGTCACCATGATATCTGTAAAGACACAGCTGCTCTGGGGCAACCT-3'
Protein context (NP_003322.3, residues 683-703): NIMVTEYVEH[Gly693Arg]PLDVWLRRER

ClinVar aggregate classification (germline): Uncertain significance (1 of 4 stars; one submission).

Conditions:
Immunodeficiency 35 (IMD35). Also called: HIES WITH ATYPICAL MYCOBACTERIOSIS, AUTOSOMAL RECESSIVE; HYPER-IgE SYNDROME WITH ATYPICAL MYCOBACTERIOSIS, AUTOSOMAL RECESSIVE; Susceptibility to infection due to TYK2 deficiency; TYK2 DEFICIENCY. Identifiers: Orphanet 331226, MedGen C1969086, MONDO:0012682, OMIM 611521.

Submission:

Labcorp Genetics (formerly Invitae), Labcorp
Classification: Uncertain significance for Immunodeficiency 35. Last evaluated: 2022-09-23. Review status: criteria provided, single submitter. Criteria: Invitae Variant Classification Sherloc (09022015). Collection method: clinical testing. Allele origin: germline.
Comment: In summary, the available evidence is currently insufficient to determine the role of this variant in disease. Therefore, it has been classified as a Variant of Uncertain Significance. Advanced modeling of protein sequence and biophysical properties (such as structural, functional, and spatial information, amino acid conservation, physicochemical variation, residue mobility, and thermodynamic stability) performed at Invitae indicates that this missense variant is expected to disrupt TYK2 protein function. This variant has not been reported in the literature in individuals affected with TYK2-related conditions. This variant is not present in population databases (gnomAD no frequency). This sequence change replaces glycine, which is neutral and non-polar, with arginine, which is basic and polar, at codon 693 of the TYK2 protein (p.Gly693Arg).